The following is an entry in ClinVar:

NM_020975.6(RET):c.2608-5C>G

Gene: RET (ret proto-oncogene; plus strand). Cytogenetic location: 10q11.21.
Variant type: single nucleotide variant.
Coding change: c.2608-5C>G on transcript NM_020975.6 (MANE Select); 5 bases into the intron before coding-DNA position 2608, C replaced by G.
Molecular consequence: intron variant.
Genome position (GRCh38, 1-based): chr10:43,120,076, C>G. VCF-style: chr10-43120076-C-G. GRCh37 (hg19) VCF-style: chr10-43615524-C-G.
Other names: c.2608-5C>G (NM_020630.7, NM_001406743.1, NM_001406744.1 and 3 more transcripts); c.2473-5C>G (NM_001406765.1, NM_001406763.1); c.2212-5C>G (NM_001406772.1, NM_001406769.1); c.2170-5C>G (NM_001406773.1, NM_001406771.1); c.1711-5C>G (NM_001406782.1, NM_001406780.1, NM_001406779.1 and 1 more transcripts); c.1576-5C>G (NM_001406787.1); c.1591-5C>G (NM_001406785.1); c.2479-5C>G (NM_001406764.1, NM_001406762.1, NM_001406761.1); and 10 more.
Identifiers: ClinVar variation 1609228 (VCV001609228.10), dbSNP rs2132958072, ClinGen allele CA2573145053.

ClinVar aggregate classification (germline): Conflicting classifications of pathogenicity. Review status: criteria provided, conflicting classifications (1 of 4 stars). 2 submissions from 2 submitters: Uncertain significance (1); Likely benign (1). Last evaluated 2026-03-10.

Conditions:
Multiple endocrine neoplasia, type 2 (MEN2). Identifiers: Orphanet 653, MedGen C4048306, MONDO:0019003. Disease mechanism: gain of function.
Hereditary cancer-predisposing syndrome. Also called: Tumor predisposition; Hereditary Cancer Syndrome; Hereditary neoplastic syndrome; Neoplastic Syndromes, Hereditary. Identifiers: Orphanet 140162, MedGen C0027672, MeSH D009386, MONDO:0015356.

Submissions (2):

Ambry Genetics
Classification: Uncertain significance for Hereditary cancer-predisposing syndrome. Last evaluated: 2026-03-10. Review status: criteria provided, single submitter. Criteria: Ambry Variant Classification Scheme 2023. Collection method: clinical testing. Allele origin: germline.
Comment: The c.2608-5C>G intronic variant results from a C to G substitution 5 nucleotides upstream from coding exon 15 in the RET gene. This nucleotide position is not well conserved in available vertebrate species. In silico splice site analysis predicts that this alteration will not have any significant effect on splicing. Based on the available evidence, the clinical significance of this variant remains unclear.

Labcorp Genetics (formerly Invitae), Labcorp
Classification: Likely benign for Multiple endocrine neoplasia, type 2. Last evaluated: 2025-10-01. Review status: criteria provided, single submitter. Criteria: Invitae Variant Classification Sherloc (09022015). Collection method: clinical testing. Allele origin: germline.